The following is an entry in ClinVar:

ClinVar aggregate classification (germline): Uncertain significance (1 of 4 stars; one submission).

Allele frequency attached by ClinVar (database versions not stated): gnomAD 0.00003.
gnomAD v4.1: 4 of 1,610,886 alleles (0.00025%); highest among the groups gnomAD compares: Admixed American, 0.0017%; no homozygotes.

Submission:

Labcorp Genetics (formerly Invitae), Labcorp
Classification: Uncertain significance. Last evaluated: 2022-10-13. Review status: criteria provided, single submitter. Criteria: Invitae Variant Classification Sherloc (09022015). Collection method: clinical testing. Allele origin: germline.
Comment: In summary, the available evidence is currently insufficient to determine the role of this variant in disease. Therefore, it has been classified as a Variant of Uncertain Significance. Algorithms developed to predict the effect of missense changes on protein structure and function are either unavailable or do not agree on the potential impact of this missense change (SIFT: "Tolerated"; PolyPhen-2: "Probably Damaging"; Align-GVGD: "Class C0"). This variant has not been reported in the literature in individuals affected with SPPL2A-related conditions. This variant is present in population databases (no rsID available, gnomAD no frequency). This sequence change replaces proline, which is neutral and non-polar, with arginine, which is basic and polar, at codon 79 of the SPPL2A protein (p.Pro79Arg).

NM_032802.4(SPPL2A):c.236C>G (p.Pro79Arg)

Gene: SPPL2A (signal peptide peptidase like 2A; minus strand). Cytogenetic location: 15q21.2.
Variant type: single nucleotide variant.
Coding change: c.236C>G on transcript NM_032802.4 (MANE Select); coding-DNA position 236, C replaced by G.
Protein change: p.Pro79Arg; replaces proline 79 with arginine.
Molecular consequence: missense variant.
Genome position (GRCh38, 1-based): chr15:50,748,812, G>C on the plus strand (C>G on the coding strand, the complement: SPPL2A is on the minus strand). VCF-style: chr15-50748812-G-C. GRCh37 (hg19) VCF-style: chr15-51041009-G-C.
Other names: short protein forms P79R.
Identifiers: ClinVar variation 1950287 (VCV001950287.5), dbSNP rs1249850916, ClinGen allele CA392414957.